The following is an entry in ClinVar:

NM_173630.4(RTTN):c.4984del (p.Arg1662fs)

Gene: RTTN (rotatin; minus strand). Cytogenetic location: 18q22.2.
Variant type: Deletion.
Coding change: c.4984del on transcript NM_173630.4 (MANE Select); coding-DNA position 4984, one base deleted (A; older notation c.4984delA).
Protein change: p.Arg1662fs; shifts the reading frame from arginine 1662.
Molecular consequence: frameshift variant.
Genome position (GRCh38, 1-based): chr18:70,057,789, T deleted on the plus strand (A on the coding strand, the reverse complement: RTTN is on the minus strand). VCF-style (leftmost placement, unchanged base first): chr18-70057788-CT-C. GRCh37 (hg19) VCF-style: chr18-67725024-CT-C.
Other names: c.2248del, p.Arg750fs (NM_001318520.2); short protein forms R750fs, R1662fs.
Identifiers: ClinVar variation 2707767 (VCV002707767.3), dbSNP rs2512026335, ClinGen allele CA2642176439.

ClinVar aggregate classification (germline): Pathogenic (1 of 4 stars; one submission).

Submission:

Labcorp Genetics (formerly Invitae), Labcorp
Classification: Pathogenic. Last evaluated: 2023-10-23. Review status: criteria provided, single submitter. Criteria: Invitae Variant Classification Sherloc (09022015). Collection method: clinical testing. Allele origin: germline.
Comment: This sequence change creates a premature translational stop signal (p.Arg1662Glufs*42) in the RTTN gene. It is expected to result in an absent or disrupted protein product. Loss-of-function variants in RTTN are known to be pathogenic (PMID: 26608784, 26846091). This variant is not present in population databases (gnomAD no frequency). This variant has not been reported in the literature in individuals affected with RTTN-related conditions. For these reasons, this variant has been classified as Pathogenic.

Literature cited by the submitters: PubMed 26608784; PubMed 26846091.